The following is an entry in ClinVar:

NC_000002.11:g.(?_73114562)_(73115753_?)del

Gene: SPR (sepiapterin reductase; plus strand). Cytogenetic location: 2p13.2.
Variant type: Deletion.
Identifiers: ClinVar variation 1458146 (VCV001458146.3).

ClinVar aggregate classification (germline): Pathogenic (1 of 4 stars; one submission).

Conditions:
Dystonic disorder. Also called: Dystonia. Identifiers: MedGen C0013421, MONDO:0003441, HP:0001332.

Submission:

Labcorp Genetics (formerly Invitae), Labcorp
Classification: Pathogenic for Dystonic disorder. Last evaluated: 2021-08-21. Review status: criteria provided, single submitter. Criteria: Invitae Variant Classification Sherloc (09022015). Collection method: clinical testing. Allele origin: germline.
Comment: This variant is a gross deletion of the genomic region encompassing exon(s) 1-2 of the SPR gene, which includes the initiator codon. This deletion extends beyond the assayed region for this gene and therefore may encompass additional genes. It is expected to result in an absent or disrupted protein product. Loss-of-function variants in SPR are known to be pathogenic (PMID: 22522443). This variant has not been reported in the literature in individuals affected with SPR-related conditions. For these reasons, this variant has been classified as Pathogenic.

Literature cited by the submitters: PubMed 22522443.